The following is an entry in ClinVar:

ClinVar aggregate classification (germline): Uncertain significance (1 of 4 stars; one submission).

Submission:

Labcorp Genetics (formerly Invitae), Labcorp
Classification: Uncertain significance. Last evaluated: 2021-05-18. Review status: criteria provided, single submitter. Criteria: Invitae Variant Classification Sherloc (09022015). Collection method: clinical testing. Allele origin: germline.
Comment: In summary, the available evidence is currently insufficient to determine the role of this variant in disease. Therefore, it has been classified as a Variant of Uncertain Significance. This sequence change replaces serine with asparagine at codon 525 of the RNF43 protein (p.Ser525Asn). The serine residue is moderately conserved and there is a small physicochemical difference between serine and asparagine. This variant is not present in population databases (ExAC no frequency). This variant has not been reported in the literature in individuals with RNF43-related conditions. Algorithms developed to predict the effect of missense changes on protein structure and function output the following: SIFT: "Tolerated"; PolyPhen-2: "Benign"; Align-GVGD: "Class C0". The asparagine amino acid residue is found in multiple mammalian species, suggesting that this missense change does not adversely affect protein function. These predictions have not been confirmed by published functional studies and their clinical significance is uncertain.

NM_017763.6(RNF43):c.1574G>A (p.Ser525Asn)

Gene: RNF43 (ring finger protein 43; minus strand). Cytogenetic location: 17q22.
Variant type: single nucleotide variant.
Coding change: c.1574G>A on transcript NM_017763.6 (MANE Select); coding-DNA position 1574, G replaced by A.
Protein change: p.Ser525Asn; replaces serine 525 with asparagine.
Molecular consequence: missense variant.
Genome position (GRCh38, 1-based): chr17:58,358,202, C>T on the plus strand (G>A on the coding strand, the complement: RNF43 is on the minus strand). VCF-style: chr17-58358202-C-T. GRCh37 (hg19) VCF-style: chr17-56435563-C-T.
Other names: c.1574G>A, p.Ser525Asn (NM_001305544.3); c.1193G>A, p.Ser398Asn (NM_001305545.2); short protein forms S398N, S525N.
Identifiers: ClinVar variation 1354765 (VCV001354765.8), dbSNP rs1329146787, ClinGen allele CA400329323.
Genomic context (GRCh38, chr17:58,358,202, plus strand): 5'-GAAACCTGGGTTTCCCCTGTGGGCACCACCGAGTCCAAGGAACGAGGCCGAGAGGTCACA[C>T]TAGGCTGCATGTCCACTCGCTGGGGATCCCCTTTAGGGCTGCAGTACACTAGGGGGTCAA-3'
Protein context (NP_060233.3, residues 515-535): GDPQRVDMQP[Ser525Asn]VTSRPRSLDS